The following is an entry in ClinVar:

ClinVar aggregate classification (germline): Uncertain significance (1 of 4 stars; one submission).

Conditions:
Congenital myotonia, autosomal recessive form. Also called: BECKER DISEASE; Becker Generalized Myotonia; myotonia congenita, autosomal recessive. Identifiers: Orphanet 614, MedGen C0751360, MONDO:0009715, OMIM 255700.
Congenital myotonia, autosomal dominant form (THD). Also called: THOMSEN DISEASE; Myotonia congenita autosomal dominant. Identifiers: Orphanet 614, MedGen C2936781, MONDO:0008055, OMIM 160800.

Submission:

Labcorp Genetics (formerly Invitae), Labcorp
Classification: Uncertain significance for Congenital myotonia, autosomal recessive form; Congenital myotonia, autosomal dominant form. Last evaluated: 2025-03-17. Review status: criteria provided, single submitter. Criteria: Invitae Variant Classification Sherloc (09022015). Collection method: clinical testing. Allele origin: germline.
Comment: This sequence change replaces phenylalanine, which is neutral and non-polar, with leucine, which is neutral and non-polar, at codon 708 of the CLCN1 protein (p.Phe708Leu). This variant is not present in population databases (gnomAD no frequency). This missense change has been observed in individual(s) with myotonia congenita (PMID: 10215406). This variant is also known as 2124C->G. ClinVar contains an entry for this variant (Variation ID: 1943893). Invitae Evidence Modeling of protein sequence and biophysical properties (such as structural, functional, and spatial information, amino acid conservation, physicochemical variation, residue mobility, and thermodynamic stability) has been performed for this missense variant. However, the output from this modeling did not meet the statistical confidence thresholds required to predict the impact of this variant on CLCN1 protein function. In summary, the available evidence is currently insufficient to determine the role of this variant in disease. Therefore, it has been classified as a Variant of Uncertain Significance.

Literature cited by the submitters: PubMed 10215406.

NM_000083.3(CLCN1):c.2124C>A (p.Phe708Leu)

Gene: CLCN1 (chloride voltage-gated channel 1; plus strand). Cytogenetic location: 7q34.
Variant type: single nucleotide variant.
Coding change: c.2124C>A on transcript NM_000083.3 (MANE Select); coding-DNA position 2124, C replaced by A.
Protein change: p.Phe708Leu; replaces phenylalanine 708 with leucine.
Molecular consequence: missense variant. On other transcripts: non-coding transcript variant (1).
Genome position (GRCh38, 1-based): chr7:143,345,714, C>A. VCF-style: chr7-143345714-C-A. GRCh37 (hg19) VCF-style: chr7-143042807-C-A.
Other names: short protein forms F708L.
Identifiers: ClinVar variation 1943893 (VCV001943893.5), dbSNP rs769811983, ClinGen allele CA369650540.